The following is an entry in ClinVar:

NM_001283009.2(RTEL1):c.3284T>C (p.Val1095Ala)

Genes: RTEL1 (regulator of telomere elongation helicase 1; plus strand), RTEL1-TNFRSF6B (RTEL1-TNFRSF6B readthrough (NMD candidate); plus strand). Cytogenetic location: 20q13.33.
Variant type: single nucleotide variant.
Coding change: c.3284T>C on transcript NM_001283009.2 (MANE Select); coding-DNA position 3284, T replaced by C.
Protein change: p.Val1095Ala; replaces valine 1095 with alanine.
Molecular consequence: missense variant. On other transcripts: non-coding transcript variant (1).
Genome position (GRCh38, 1-based): chr20:63,694,915, T>C. VCF-style: chr20-63694915-T-C. GRCh37 (hg19) VCF-style: chr20-62326268-T-C.
Other names: c.2615T>C, p.Val872Ala (NM_001283010.1); c.3284T>C, p.Val1095Ala (NM_016434.4); c.3356T>C, p.Val1119Ala (NM_032957.5); short protein forms V1095A, V872A, V1119A.
Identifiers: ClinVar variation 5028513 (VCV005028513.1).

ClinVar aggregate classification (germline): Uncertain significance (1 of 4 stars; one submission).

Conditions:
Inborn genetic diseases. Identifiers: MedGen C0950123, MeSH D030342.

Submission:

Ambry Genetics
Classification: Uncertain significance for Inborn genetic diseases. Last evaluated: 2026-08-16. Review status: criteria provided, single submitter. Criteria: Ambry Variant Classification Scheme 2023. Collection method: clinical testing. Allele origin: germline.
Comment: The p.V1095A variant (also known as c.3284T>C), located in coding exon 31 of the RTEL1 gene, results from a T to C substitution at nucleotide position 3284. The valine at codon 1095 is replaced by alanine, an amino acid with similar properties. This amino acid position is conserved. In addition, the in silico prediction for this alteration is inconclusive. Based on the available evidence, the clinical significance of this variant remains unclear.